The following is an entry in ClinVar:

ClinVar aggregate classification (germline): Uncertain significance. Review status: criteria provided, multiple submitters, no conflicts (2 of 4 stars). 2 submissions from 2 submitters: Uncertain significance (2). Last evaluated 2025-11-05.

gnomAD v4.1: 33 of 1,542,868 alleles (0.0021%); highest among the groups gnomAD compares: Middle Eastern, 0.02%; no homozygotes.

Submissions (2):

Ambry Genetics
Classification: Uncertain significance. Last evaluated: 2025-11-05. Review status: criteria provided, single submitter. Criteria: Ambry Variant Classification Scheme 2023. Collection method: clinical testing. Allele origin: germline.

Labcorp Genetics (formerly Invitae), Labcorp
Classification: Uncertain significance. Last evaluated: 2025-10-06. Review status: criteria provided, single submitter. Criteria: Invitae Variant Classification Sherloc (09022015). Collection method: clinical testing. Allele origin: germline.
Comment: This sequence change replaces arginine, which is basic and polar, with histidine, which is basic and polar, at codon 224 of the DGKZ protein (p.Arg224His). This variant is not present in population databases (gnomAD no frequency). This variant has not been reported in the literature in individuals affected with DGKZ-related conditions. An algorithm developed to predict the effect of missense changes on protein structure and function (PolyPhen-2) suggests that this variant is likely to be disruptive. In summary, the available evidence is currently insufficient to determine the role of this variant in disease. Therefore, it has been classified as a Variant of Uncertain Significance.

NM_001199267.2(DGKZ):c.162-364G>A

Gene: DGKZ (diacylglycerol kinase zeta; plus strand). Cytogenetic location: 11p11.2.
Variant type: single nucleotide variant.
Coding change: c.162-364G>A on transcript NM_001199267.2 (MANE Select); 364 bases into the intron before coding-DNA position 162, G replaced by A.
Molecular consequence: intron variant. On other transcripts: missense variant (1).
Genome position (GRCh38, 1-based): chr11:46,366,927, G>A. VCF-style: chr11-46366927-G-A. GRCh37 (hg19) VCF-style: chr11-46388477-G-A.
Other names: c.671G>A, p.Arg224His (NM_001105540.2); c.213-364G>A (NM_201532.3); c.177-364G>A (NM_201533.3); c.162-364G>A (NM_001199266.2, NM_003646.4, NM_001199268.2); short protein forms R224H.
Identifiers: ClinVar variation 4659840 (VCV004659840.2).
Genomic context (GRCh38, chr11:46,366,927, plus strand): 5'-CCTCAGGCACCACCGCCGGCACCATGCTGCCCACCCGTGTGCGCCCACTGTCCCGCAGGC[G>A]CCAGGTAGCCCTACGGCGCAAGGCGGCCGGACCCCAGGCCTGGAGCGCCCTGCTCGCGTA-3'